The following is an entry in ClinVar:

NM_015512.5(DNAH1):c.3426C>G (p.Ile1142Met)

Gene: DNAH1 (dynein axonemal heavy chain 1; plus strand). Cytogenetic location: 3p21.1.
Variant type: single nucleotide variant.
Coding change: c.3426C>G on transcript NM_015512.5 (MANE Select); coding-DNA position 3426, C replaced by G.
Protein change: p.Ile1142Met; replaces isoleucine 1142 with methionine.
Molecular consequence: missense variant.
Genome position (GRCh38, 1-based): chr3:52,353,579, C>G. VCF-style: chr3-52353579-C-G. GRCh37 (hg19) VCF-style: chr3-52387595-C-G.
Other names: short protein forms I1142M.
Identifiers: ClinVar variation 658790 (VCV000658790.6), dbSNP rs781118318, ClinGen allele CA2433563.

ClinVar aggregate classification (germline): Uncertain significance (1 of 4 stars; one submission).

Conditions:
Spermatogenic failure 18. Identifiers: MedGen C4539783, MONDO:0054615, OMIM 617576.
Ciliary dyskinesia, primary, 37 (CILD37). Also called: CILIARY DYSKINESIA, PRIMARY, 37, WITH OR WITHOUT SITUS INVERSUS. Identifiers: MedGen C4539798, MONDO:0033204, OMIM 617577.

Allele frequency attached by ClinVar (database versions not stated): gnomAD 0.00001.
gnomAD v4.1: 7 of 1,612,122 alleles (0.00043%); highest among the groups gnomAD compares: Non-Finnish European, 0.00059%; no homozygotes.

Submission:

Labcorp Genetics (formerly Invitae), Labcorp
Classification: Uncertain significance for Ciliary dyskinesia, primary, 37; Spermatogenic failure 18. Last evaluated: 2022-03-03. Review status: criteria provided, single submitter. Criteria: Invitae Variant Classification Sherloc (09022015). Collection method: clinical testing. Allele origin: germline.
Comment: This variant is present in population databases (rs781118318, gnomAD 0.002%). In summary, the available evidence is currently insufficient to determine the role of this variant in disease. Therefore, it has been classified as a Variant of Uncertain Significance. Algorithms developed to predict the effect of missense changes on protein structure and function are either unavailable or do not agree on the potential impact of this missense change (SIFT: "Deleterious"; PolyPhen-2: "Benign"; Align-GVGD: "Class C0"). ClinVar contains an entry for this variant (Variation ID: 658790). This variant has not been reported in the literature in individuals affected with DNAH1-related conditions. This sequence change replaces isoleucine, which is neutral and non-polar, with methionine, which is neutral and non-polar, at codon 1142 of the DNAH1 protein (p.Ile1142Met).